The following is an entry in ClinVar:

ClinVar aggregate classification (germline): Uncertain significance (1 of 4 stars; one submission).

Submission:

Ambry Genetics
Classification: Uncertain significance. Last evaluated: 2025-08-11. Review status: criteria provided, single submitter. Criteria: Ambry Variant Classification Scheme 2023. Collection method: clinical testing. Allele origin: germline.
Comment: The p.L21F variant (also known as c.63G>C), located in coding exon 1 of the CDK12 gene, results from a G to C substitution at nucleotide position 63. The leucine at codon 21 is replaced by phenylalanine, an amino acid with highly similar properties. This amino acid position is conserved. In addition, this alteration is predicted to be tolerated by in silico analysis. Based on the available evidence, the clinical significance of this variant remains unclear.

NM_016507.4(CDK12):c.63G>C (p.Leu21Phe)

Genes: CDK12 (cyclin dependent kinase 12; plus strand), LOC126862553 (CDK7 strongly-dependent group 2 enhancer GRCh37_chr17:37618166-37619365; plus strand). Cytogenetic location: 17q12.
Variant type: single nucleotide variant.
Coding change: c.63G>C on transcript NM_016507.4 (MANE Select); coding-DNA position 63, G replaced by C.
Protein change: p.Leu21Phe; replaces leucine 21 with phenylalanine.
Molecular consequence: missense variant.
Genome position (GRCh38, 1-based): chr17:39,462,134, G>C. VCF-style: chr17-39462134-G-C. GRCh37 (hg19) VCF-style: chr17-37618387-G-C.
Other names: c.63G>C, p.Leu21Phe (NM_015083.4); short protein forms L21F.
Identifiers: ClinVar variation 4224378 (VCV004224378.1).
Genomic context (GRCh38, chr17:39,462,134, plus strand): 5'-GCCCAATTCAGAGAGACATGGGGGCAAGAAGGACGGGAGTGGAGGAGCTTCTGGAACTTT[G>C]CAGCCGTCATCGGGAGGCGGCAGCTCTAACAGCAGAGAGCGTCACCGCTTGGTATCGAAG-3'
Protein context (NP_057591.2, residues 11-31): KDGSGGASGT[Leu21Phe]QPSSGGGSSN